The following is an entry in ClinVar:

NM_000052.7(ATP7A):c.1793C>T (p.Ala598Val)

Gene: ATP7A (ATPase copper transporting alpha; plus strand). Cytogenetic location: Xq21.1.
Variant type: single nucleotide variant.
Coding change: c.1793C>T on transcript NM_000052.7 (MANE Select); coding-DNA position 1793, C replaced by T.
Protein change: p.Ala598Val; replaces alanine 598 with valine.
Molecular consequence: missense variant.
Genome position (GRCh38, 1-based): chrX:78,009,187, C>T. VCF-style: chrX-78009187-C-T. GRCh37 (hg19) VCF-style: chrX-77264684-C-T.
Other names: c.1793C>T, p.Ala598Val (NM_001282224.2); short protein forms A598V.
Identifiers: ClinVar variation 1477836 (VCV001477836.5), dbSNP rs782386693, ClinGen allele CA413597192.

ClinVar aggregate classification (germline): Uncertain significance (1 of 4 stars; one submission).

Conditions:
Cutis laxa, X-linked (OHS). Also called: EDS IX; Occipital horn syndrome. Identifiers: Orphanet 198, MedGen C0268353, MONDO:0010572, OMIM 304150.
X-linked distal spinal muscular atrophy type 3. Also called: ATP7A-Related Distal Motor Neuropathy; SPINAL MUSCULAR ATROPHY, DISTAL, X-LINKED RECESSIVE; NEURONOPATHY, DISTAL HEREDITARY MOTOR, X-LINKED; NEUROPATHY, DISTAL HEREDITARY MOTOR, X-LINKED. Identifiers: Orphanet 139557, MedGen C1845359, MONDO:0010338, OMIM 300489.
Menkes kinky-hair syndrome (MNK). Also called: Classic Menkes Disease; Copper transport disease; Menkes Disease. Identifiers: Orphanet 565, MedGen C0022716, MONDO:0010651, OMIM 309400.

Submission:

Labcorp Genetics (formerly Invitae), Labcorp
Classification: Uncertain significance for X-linked distal spinal muscular atrophy type 3; Cutis laxa, X-linked; Menkes kinky-hair syndrome. Last evaluated: 2021-08-30. Review status: criteria provided, single submitter. Criteria: Invitae Variant Classification Sherloc (09022015). Collection method: clinical testing. Allele origin: germline.
Comment: This sequence change replaces alanine with valine at codon 598 of the ATP7A protein (p.Ala598Val). The alanine residue is highly conserved and there is a small physicochemical difference between alanine and valine. This variant is not present in population databases (ExAC no frequency). This variant has not been reported in the literature in individuals affected with ATP7A-related conditions. Algorithms developed to predict the effect of missense changes on protein structure and function are either unavailable or do not agree on the potential impact of this missense change (SIFT: "Deleterious"; PolyPhen-2: "Probably Damaging"; Align-GVGD: "Class C0"). In summary, the available evidence is currently insufficient to determine the role of this variant in disease. Therefore, it has been classified as a Variant of Uncertain Significance.